The following is an entry in ClinVar:

NM_006231.4(POLE):c.3130G>C (p.Glu1044Gln)

Gene: POLE (DNA polymerase epsilon, catalytic subunit; minus strand). Cytogenetic location: 12q24.33.
Variant type: single nucleotide variant.
Coding change: c.3130G>C on transcript NM_006231.4 (MANE Select); coding-DNA position 3130, G replaced by C.
Protein change: p.Glu1044Gln; replaces glutamic acid 1044 with glutamine.
Molecular consequence: missense variant.
Genome position (GRCh38, 1-based): chr12:132,659,440, C>G on the plus strand (G>C on the coding strand, the complement: POLE is on the minus strand). VCF-style: chr12-132659440-C-G. GRCh37 (hg19) VCF-style: chr12-133236026-C-G.
Other names: c.3130G>C (NM_006231.2); short protein forms E1044Q.
Identifiers: ClinVar variation 405841 (VCV000405841.15), dbSNP rs1060500869, ClinGen allele CA16613677.

ClinVar aggregate classification (germline): Uncertain significance. Review status: criteria provided, multiple submitters, no conflicts (2 of 4 stars). 3 submissions from 3 submitters: Uncertain significance (3). Last evaluated 2025-12-13.

Conditions:
Hereditary cancer-predisposing syndrome. Also called: Hereditary Cancer Syndrome; Hereditary neoplastic syndrome; Neoplastic Syndromes, Hereditary; Tumor predisposition. Identifiers: Orphanet 140162, MedGen C0027672, MeSH D009386, MONDO:0015356.

Allele frequency attached by ClinVar (database versions not stated): gnomAD exomes below 0.00001; gnomAD 0.00001; TOPMed 0.00001.
gnomAD v4.1: 3 of 1,614,132 alleles (0.00019%); highest among the groups gnomAD compares: Non-Finnish European, 0.00025%; no homozygotes.

Submissions (3):

Labcorp Genetics (formerly Invitae), Labcorp
Classification: Uncertain significance. Last evaluated: 2025-12-13. Review status: criteria provided, single submitter. Criteria: Invitae Variant Classification Sherloc (09022015). Collection method: clinical testing. Allele origin: germline.
Comment: This sequence change replaces glutamic acid, which is acidic and polar, with glutamine, which is neutral and polar, at codon 1044 of the POLE protein (p.Glu1044Gln). This variant is not present in population databases (gnomAD no frequency). This variant has not been reported in the literature in individuals affected with POLE-related conditions. ClinVar contains an entry for this variant (Variation ID: 405841). Invitae Evidence Modeling of protein sequence and biophysical properties (such as structural, functional, and spatial information, amino acid conservation, physicochemical variation, residue mobility, and thermodynamic stability) indicates that this missense variant is not expected to disrupt POLE protein function with a negative predictive value of 80%. In summary, the available evidence is currently insufficient to determine the role of this variant in disease. Therefore, it has been classified as a Variant of Uncertain Significance.

Ambry Genetics
Classification: Uncertain significance for Hereditary cancer-predisposing syndrome. Last evaluated: 2024-04-22. Review status: criteria provided, single submitter. Criteria: Ambry Variant Classification Scheme 2023. Collection method: clinical testing. Allele origin: germline.
Comment: The p.E1044Q variant (also known as c.3130G>C), located in coding exon 26 of the POLE gene, results from a G to C substitution at nucleotide position 3130. The glutamic acid at codon 1044 is replaced by glutamine, an amino acid with highly similar properties. This amino acid position is conserved. In addition, the in silico prediction for this alteration is inconclusive. Since supporting evidence is limited at this time, the clinical significance of this alteration remains unclear.

GeneDx
Classification: Uncertain significance. Last evaluated: 2021-04-28. Review status: criteria provided, single submitter. Criteria: GeneDx Variant Classification Process June 2021. Collection method: clinical testing. Allele origin: germline. Affected: yes.
Comment: Not observed in large population cohorts (Lek 2016); In silico analysis supports that this missense variant has a deleterious effect on protein structure/function; Has not been previously published as pathogenic or benign to our knowledge